The following is an entry in ClinVar:

NM_002661.5(PLCG2):c.371C>A (p.Ser124Tyr)

Gene: PLCG2 (phospholipase C gamma 2; plus strand). Cytogenetic location: 16q23.3.
Variant type: single nucleotide variant.
Coding change: c.371C>A on transcript NM_002661.5 (MANE Select); coding-DNA position 371, C replaced by A.
Protein change: p.Ser124Tyr; replaces serine 124 with tyrosine.
Molecular consequence: missense variant.
Genome position (GRCh38, 1-based): chr16:81,858,296, C>A. VCF-style: chr16-81858296-C-A. GRCh37 (hg19) VCF-style: chr16-81891901-C-A.
Other names: c.371C>A, p.Ser124Tyr (NM_001425749.1, NM_001425750.1, NM_001425751.1); short protein forms S124Y.
Identifiers: ClinVar variation 2867934 (VCV002867934.5), dbSNP rs1297995347, ClinGen allele CA396901473.

ClinVar aggregate classification (germline): Uncertain significance. Review status: criteria provided, multiple submitters, no conflicts (2 of 4 stars). 3 submissions from 3 submitters: Uncertain significance (3). Last evaluated 2024-10-30.

Conditions:
Inborn genetic diseases. Identifiers: MedGen C0950123, MeSH D030342.
Familial cold autoinflammatory syndrome 3 (FCAS3). Also called: FAMILIAL ATYPICAL COLD URTICARIA; ANTIBODY DEFICIENCY AND IMMUNE DYSREGULATION, PLCG2-ASSOCIATED. Identifiers: Orphanet 300359, MedGen C3280914, MONDO:0013766, OMIM 614468.

gnomAD v4.1: 2 of 1,614,028 alleles (0.00012%); highest among the groups gnomAD compares: South Asian, 0.0022%; no homozygotes.

Submissions (3):

Labcorp Genetics (formerly Invitae), Labcorp
Classification: Uncertain significance for Familial cold autoinflammatory syndrome 3. Last evaluated: 2024-10-30. Review status: criteria provided, single submitter. Criteria: Invitae Variant Classification Sherloc (09022015). Collection method: clinical testing. Allele origin: germline.
Comment: This sequence change replaces serine, which is neutral and polar, with tyrosine, which is neutral and polar, at codon 124 of the PLCG2 protein (p.Ser124Tyr). This variant is present in population databases (no rsID available, gnomAD 0.006%). This variant has not been reported in the literature in individuals affected with PLCG2-related conditions. ClinVar contains an entry for this variant (Variation ID: 2867934). An algorithm developed to predict the effect of missense changes on protein structure and function (PolyPhen-2) suggests that this variant is likely to be tolerated. In summary, the available evidence is currently insufficient to determine the role of this variant in disease. Therefore, it has been classified as a Variant of Uncertain Significance.

Blueprint Genetics
Classification: Uncertain significance. Last evaluated: 2024-03-05. Review status: criteria provided, single submitter. Criteria: ACMG Guidelines, 2015. Collection method: clinical testing. Allele origin: germline.

Ambry Genetics
Classification: Uncertain significance for Inborn genetic diseases. Last evaluated: 2023-11-02. Review status: criteria provided, single submitter. Criteria: Ambry Variant Classification Scheme 2023. Collection method: clinical testing. Allele origin: germline.